The following is an entry in ClinVar:

ClinVar aggregate classification (germline): Uncertain significance (1 of 4 stars; one submission).

Conditions:
Proteosome-associated autoinflammatory syndrome. Also called: Proteasome-associated autoinflammatory syndrome. Identifiers: Orphanet 324977, MedGen C1850568, MONDO:0009726.

Submission:

Labcorp Genetics (formerly Invitae), Labcorp
Classification: Uncertain significance for Proteosome-associated autoinflammatory syndrome. Last evaluated: 2022-08-19. Review status: criteria provided, single submitter. Criteria: Invitae Variant Classification Sherloc (09022015). Collection method: clinical testing. Allele origin: germline.
Comment: In summary, the available evidence is currently insufficient to determine the role of this variant in disease. Therefore, it has been classified as a Variant of Uncertain Significance. Algorithms developed to predict the effect of missense changes on protein structure and function (SIFT, PolyPhen-2, Align-GVGD) all suggest that this variant is likely to be tolerated. This variant has not been reported in the literature in individuals affected with PSMB8-related conditions. This variant is not present in population databases (gnomAD no frequency). This sequence change replaces histidine, which is basic and polar, with glutamine, which is neutral and polar, at codon 269 of the PSMB8 protein (p.His269Gln).

NM_148919.4(PSMB8):c.807C>A (p.His269Gln)

Gene: PSMB8 (proteasome 20S subunit beta 8; minus strand). Cytogenetic location: 6p21.32.
Variant type: single nucleotide variant.
Coding change: c.807C>A on transcript NM_148919.4 (MANE Select); coding-DNA position 807, C replaced by A.
Protein change: p.His269Gln; replaces histidine 269 with glutamine.
Molecular consequence: missense variant.
Genome position (GRCh38, 1-based): chr6:32,840,983, G>T on the plus strand (C>A on the coding strand, the complement: PSMB8 is on the minus strand). VCF-style: chr6-32840983-G-T. GRCh37 (hg19) VCF-style: chr6-32808760-G-T.
Other names: c.795C>A, p.His265Gln (NM_004159.5); short protein forms H265Q, H269Q.
Identifiers: ClinVar variation 1714834 (VCV001714834.6), dbSNP rs2483076635, ClinGen allele CA363588140.